The following is an entry in ClinVar:

ClinVar aggregate classification (germline): Uncertain significance. Review status: criteria provided, multiple submitters, no conflicts (2 of 4 stars). 3 submissions from 3 submitters: Uncertain significance (3). Last evaluated 2025-03-05.

Conditions:
Inborn genetic diseases. Identifiers: MedGen C0950123, MeSH D030342.

Allele frequency attached by ClinVar (database versions not stated): ExAC 0.00002; TOPMed 0.00002; gnomAD 0.00003.
gnomAD v4.1: 18 of 1,613,934 alleles (0.0011%); highest among the groups gnomAD compares: Middle Eastern, 0.049%; no homozygotes.

Submissions (3):

Ambry Genetics
Classification: Uncertain significance for Inborn genetic diseases. Last evaluated: 2025-03-05. Review status: criteria provided, single submitter. Criteria: Ambry Variant Classification Scheme 2023. Collection method: clinical testing. Allele origin: germline.

Blueprint Genetics
Classification: Uncertain significance. Last evaluated: 2024-07-02. Review status: criteria provided, single submitter. Criteria: ACMG Guidelines, 2015. Collection method: clinical testing. Allele origin: germline.

Labcorp Genetics (formerly Invitae), Labcorp
Classification: Uncertain significance. Last evaluated: 2022-05-21. Review status: criteria provided, single submitter. Criteria: Invitae Variant Classification Sherloc (09022015). Collection method: clinical testing. Allele origin: germline.
Comment: This sequence change replaces threonine, which is neutral and polar, with serine, which is neutral and polar, at codon 64 of the GHSR protein (p.Thr64Ser). This variant is present in population databases (rs766366395, gnomAD 0.005%). This variant has not been reported in the literature in individuals affected with GHSR-related conditions. Algorithms developed to predict the effect of missense changes on protein structure and function are either unavailable or do not agree on the potential impact of this missense change (SIFT: "Deleterious"; PolyPhen-2: "Probably Damaging"; Align-GVGD: "Class C0"). In summary, the available evidence is currently insufficient to determine the role of this variant in disease. Therefore, it has been classified as a Variant of Uncertain Significance.

NM_198407.2(GHSR):c.190A>T (p.Thr64Ser)

Gene: GHSR (growth hormone secretagogue receptor; minus strand). Cytogenetic location: 3q26.31.
Variant type: single nucleotide variant.
Coding change: c.190A>T on transcript NM_198407.2 (MANE Select); coding-DNA position 190, A replaced by T.
Protein change: p.Thr64Ser; replaces threonine 64 with serine.
Molecular consequence: missense variant.
Genome position (GRCh38, 1-based): chr3:172,448,224, T>A on the plus strand (A>T on the coding strand, the complement: GHSR is on the minus strand). VCF-style: chr3-172448224-T-A. GRCh37 (hg19) VCF-style: chr3-172166014-T-A.
Other names: c.190A>T, p.Thr64Ser (NM_004122.2); short protein forms T64S.
Identifiers: ClinVar variation 1897995 (VCV001897995.7), dbSNP rs766366395, ClinGen allele CA2706509.
Genomic context (GRCh38, chr3:172,448,224, plus strand): 5'-TGGACAGGTAGAGGTTGGTGGTGGTGCGCAGCTCGCGGAAGCGCGACACCACCAGCATGG[T>A]GAGCAGGTTGCCAGCGATGCCCACCACGAAGAGTGCCACGCAGGTGGCTGTGACGCCCGC-3'
Protein context (NP_940799.1, residues 54-74): FVVGIAGNLL[Thr64Ser]MLVVSRFREL